The following is an entry in ClinVar:

NM_019842.4(KCNQ5):c.22G>A (p.Gly8Arg)

Genes: KCNQ5 (potassium voltage-gated channel subfamily Q member 5; plus strand), KCNQ5-DT (KCNQ5 divergent transcript; minus strand), LOC129996711 (ATAC-STARR-seq lymphoblastoid silent region 17329; plus strand). Cytogenetic location: 6q13.
Variant type: single nucleotide variant.
Coding change: c.22G>A on transcript NM_019842.4 (MANE Select); coding-DNA position 22, G replaced by A.
Protein change: p.Gly8Arg; replaces glycine 8 with arginine.
Molecular consequence: missense variant.
Genome position (GRCh38, 1-based): chr6:72,622,211, G>A. VCF-style: chr6-72622211-G-A. GRCh37 (hg19) VCF-style: chr6-73331939-G-A.
Other names: c.22G>A (NM_001160133.1); c.22G>A, p.Gly8Arg (NM_001160130.2, NM_001160132.2, NM_001160133.2 and 1 more transcripts); short protein forms G8R.
Identifiers: ClinVar variation 975566 (VCV000975566.43), dbSNP rs191331629, ClinGen allele CA3886667.

ClinVar aggregate classification (germline): Benign/Likely benign. Review status: criteria provided, multiple submitters, no conflicts (2 of 4 stars). 6 submissions from 6 submitters: Benign (1); Likely benign (3). 2 of the submissions do not count toward it. Last evaluated 2026-06-01.

Conditions:
Intellectual disability. Also called: Intellectual developmental disorder; intellectual disabilities; Intellectual functioning disability. Identifiers: MedGen C3714756, MeSH D008607, MONDO:0001071, HP:0001249.
KCNQ5-related disorder. Also called: KCNQ5-related condition.
Inborn genetic diseases. Identifiers: MedGen C0950123, MeSH D030342.

Allele frequency attached by ClinVar (database versions not stated): 1000 Genomes Project 0.00040; 1000 Genomes Project 30x 0.00078; gnomAD 0.00139 and 0.00144; TOPMed 0.00146; gnomAD exomes 0.00186 and 0.00196; ExAC 0.12500.
gnomAD v4.1: 2,313 of 1,230,340 alleles (0.19%); highest among the groups gnomAD compares: Non-Finnish European, 0.22%; 2 homozygotes.

Submissions (6):

CeGaT Center for Human Genetics Tuebingen
Classification: Likely benign. Last evaluated: 2026-06-01. Review status: criteria provided, single submitter. Criteria: CeGaT Center For Human Genetics Tuebingen Variant Classification Criteria Version 2. Collection method: clinical testing. Allele origin: germline. Affected: yes. Observed: 20 variant alleles.
Comment: KCNQ5: PP3, BS1

Labcorp Genetics (formerly Invitae), Labcorp
Classification: Benign. Last evaluated: 2026-01-29. Review status: criteria provided, single submitter. Criteria: Invitae Variant Classification Sherloc (09022015). Collection method: clinical testing. Allele origin: germline.

Blueprint Genetics
Classification: Likely benign. Last evaluated: 2024-10-25. Review status: criteria provided, single submitter. Criteria: ACMG Guidelines, 2015. Collection method: clinical testing. Allele origin: germline.

Ambry Genetics
Classification: Likely benign for Inborn genetic diseases. Last evaluated: 2022-02-14. Review status: criteria provided, single submitter. Criteria: Ambry Variant Classification Scheme 2023. Collection method: clinical testing. Allele origin: germline.

PreventionGenetics, part of Exact Sciences
Classification: Likely benign for KCNQ5-related condition. Last evaluated: 2019-06-05. Review status: no assertion criteria provided. Collection method: clinical testing. Allele origin: germline. Not counted in ClinVar's aggregate classification.
Comment: This variant is classified as likely benign based on ACMG/AMP sequence variant interpretation guidelines (Richards et al. 2015 PMID: 25741868, with internal and published modifications).

Centre de Biologie Pathologie Génétique, Centre Hospitalier Universitaire de Lille
Classification: Likely benign for Intellectual disability. Last evaluated: 2019-01-01. Review status: no assertion criteria provided. Collection method: clinical testing. Allele origin: inherited. Affected: yes. Not counted in ClinVar's aggregate classification.